The following is an entry in ClinVar:

ClinVar aggregate classification (germline): Uncertain significance (1 of 4 stars; one submission).

Conditions:
Hereditary breast ovarian cancer syndrome. Also called: BRCA1- and BRCA2-Associated Hereditary Breast and Ovarian Cancer; Hereditary breast and ovarian cancer; Hereditary breast and ovarian cancer syndrome; Hereditary breast and ovarian cancer syndrome (HBOC); Breast and ovarian cancer; Hereditary breast and/or ovarian cancer syndrome. Identifiers: Orphanet 145, MedGen C0677776, MeSH D061325, MONDO:0003582. Disease mechanism: loss of function.

Allele frequency attached by ClinVar (database versions not stated): TOPMed below 0.00001; gnomAD 0.00001.

Submission:

Labcorp Genetics (formerly Invitae), Labcorp
Classification: Uncertain significance for Hereditary breast ovarian cancer syndrome. Last evaluated: 2024-12-12. Review status: criteria provided, single submitter. Criteria: Invitae Variant Classification Sherloc (09022015). Collection method: clinical testing. Allele origin: germline.
Comment: This sequence change falls in intron 1 of the BRCA2 gene. It does not directly change the encoded amino acid sequence of the BRCA2 protein. It affects a nucleotide within the consensus splice site. This variant is not present in population databases (gnomAD no frequency). This variant has not been reported in the literature in individuals affected with BRCA2-related conditions. ClinVar contains an entry for this variant (Variation ID: 1470076). Variants that disrupt the consensus splice site are a relatively common cause of aberrant splicing (PMID: 17576681, 9536098). Algorithms developed to predict the effect of sequence changes on RNA splicing suggest that this variant may disrupt the consensus splice site. In summary, the available evidence is currently insufficient to determine the role of this variant in disease. Therefore, it has been classified as a Variant of Uncertain Significance.

Literature cited by the submitters: PubMed 17576681; PubMed 9536098.

NM_000059.4(BRCA2):c.-40+4A>G

Genes: BRCA2 (BRCA2 DNA repair associated; plus strand), LOC106721785 (BRCA2 promoter/silencer region; plus strand). Cytogenetic location: 13q13.1.
Variant type: single nucleotide variant.
Coding change: c.-40+4A>G on transcript NM_000059.4 (MANE Select); 4 bases into the intron after 40 bases upstream of the start codon, A replaced by G.
Molecular consequence: intron variant.
Genome position (GRCh38, 1-based): chr13:32,315,671, A>G. VCF-style: chr13-32315671-A-G. GRCh37 (hg19) VCF-style: chr13-32889808-A-G.
Identifiers: ClinVar variation 1470076 (VCV001470076.6), dbSNP rs1429193506, ClinGen allele CA697323882.